The following is an entry in ClinVar:

NM_002519.3(NPAT):c.2261C>A (p.Thr754Asn)

Gene: NPAT (nuclear protein, coactivator of histone transcription; minus strand). Cytogenetic location: 11q22.3.
Variant type: single nucleotide variant.
Coding change: c.2261C>A on transcript NM_002519.3 (MANE Select); coding-DNA position 2261, C replaced by A.
Protein change: p.Thr754Asn; replaces threonine 754 with asparagine.
Molecular consequence: missense variant.
Genome position (GRCh38, 1-based): chr11:108,172,723, G>T on the plus strand (C>A on the coding strand, the complement: NPAT is on the minus strand). VCF-style: chr11-108172723-G-T. GRCh37 (hg19) VCF-style: chr11-108043450-G-T.
Other names: c.2261C>A, p.Thr754Asn (NM_001321307.1); short protein forms T754N.
Identifiers: ClinVar variation 1788635 (VCV001788635.3), dbSNP rs750840571, ClinGen allele CA382513349.

ClinVar aggregate classification (germline): Uncertain significance (1 of 4 stars; one submission).

gnomAD v4.1: 38 of 1,613,582 alleles (0.0024%); highest among the groups gnomAD compares: Non-Finnish European, 0.0032%; no homozygotes.

Submission:

Ambry Genetics
Classification: Uncertain significance. Last evaluated: 2024-04-29. Review status: criteria provided, single submitter. Criteria: Ambry Variant Classification Scheme 2023. Collection method: clinical testing. Allele origin: germline.
Comment: The p.T754N variant (also known as c.2261C>A), located in coding exon 13 of the NPAT gene, results from a C to A substitution at nucleotide position 2261. The threonine at codon 754 is replaced by asparagine, an amino acid with similar properties. This amino acid position is conserved. In addition, this alteration is predicted to be tolerated by in silico analysis. Since supporting evidence is limited at this time, the clinical significance of this alteration remains unclear.